The following is an entry in ClinVar:

ClinVar aggregate classification (germline): Uncertain significance (1 of 4 stars; one submission).

Conditions:
ANKRD1-related dilated cardiomyopathy. Identifiers: MedGen CN119551.

gnomAD v4.1: 1 of 1,614,066 alleles (0.000062%); highest among the groups gnomAD compares: African/African-American, 0.0013%; no homozygotes.

Submission:

Labcorp Genetics (formerly Invitae), Labcorp
Classification: Uncertain significance for ANKRD1-related dilated cardiomyopathy. Last evaluated: 2025-05-19. Review status: criteria provided, single submitter. Criteria: Invitae Variant Classification Sherloc (09022015). Collection method: clinical testing. Allele origin: germline.
Comment: This sequence change replaces asparagine, which is neutral and polar, with lysine, which is basic and polar, at codon 198 of the ANKRD1 protein (p.Asn198Lys). This variant is not present in population databases (gnomAD no frequency). This variant has not been reported in the literature in individuals affected with ANKRD1-related conditions. Invitae Evidence Modeling of protein sequence and biophysical properties (such as structural, functional, and spatial information, amino acid conservation, physicochemical variation, residue mobility, and thermodynamic stability) indicates that this missense variant is not expected to disrupt ANKRD1 protein function with a negative predictive value of 80%. In summary, the available evidence is currently insufficient to determine the role of this variant in disease. Therefore, it has been classified as a Variant of Uncertain Significance.

NM_014391.3(ANKRD1):c.594C>A (p.Asn198Lys)

Gene: ANKRD1 (ankyrin repeat domain 1; minus strand). Cytogenetic location: 10q23.31.
Variant type: single nucleotide variant.
Coding change: c.594C>A on transcript NM_014391.3 (MANE Select); coding-DNA position 594, C replaced by A.
Protein change: p.Asn198Lys; replaces asparagine 198 with lysine.
Molecular consequence: missense variant.
Genome position (GRCh38, 1-based): chr10:90,916,228, G>T on the plus strand (C>A on the coding strand, the complement: ANKRD1 is on the minus strand). VCF-style: chr10-90916228-G-T. GRCh37 (hg19) VCF-style: chr10-92675985-G-T.
Other names: short protein forms N198K.
Identifiers: ClinVar variation 4746656 (VCV004746656.1).